The following is an entry in ClinVar:

ClinVar aggregate classification (germline): Uncertain significance. Review status: criteria provided, multiple submitters, no conflicts (2 of 4 stars). 3 submissions from 3 submitters: Uncertain significance (3). Last evaluated 2025-01-14.

Conditions:
Arrhythmogenic right ventricular dysplasia 12. Also called: ARRHYTHMOGENIC RIGHT VENTRICULAR DYSPLASIA, FAMILIAL, 12. Identifiers: MedGen C1969081, MONDO:0012684, OMIM 611528.
Naxos disease (NXD). Also called: KERATOSIS PALMOPLANTARIS WITH ARRHYTHMOGENIC CARDIOMYOPATHY; MAL DE NAXOS; PALMOPLANTAR KERATODERMA WITH ARRHYTHMOGENIC RIGHT VENTRICULAR CARDIOMYOPATHY AND WOOLLY HAIR; WOOLLY HAIR, PALMOPLANTAR KERATODERMA, AND CARDIAC ABNORMALITIES; CARDIOMYOPATHY, ARRHYTHMOGENIC RIGHT VENTRICULAR, WITH SKIN, HAIR, AND NAIL ABNORMALITIES. Identifiers: Orphanet 34217, MedGen C1832600, MONDO:0011017, OMIM 601214.
Cardiovascular phenotype. Identifiers: MedGen CN230736.

Submissions (3):

Labcorp Genetics (formerly Invitae), Labcorp
Classification: Uncertain significance for Arrhythmogenic right ventricular dysplasia 12; Naxos disease. Last evaluated: 2025-01-14. Review status: criteria provided, single submitter. Criteria: Invitae Variant Classification Sherloc (09022015). Collection method: clinical testing. Allele origin: germline.
Comment: This sequence change replaces asparagine, which is neutral and polar, with lysine, which is basic and polar, at codon 371 of the JUP protein (p.Asn371Lys). This variant is present in population databases (rs782009178, gnomAD 0.0009%). This variant has not been reported in the literature in individuals affected with JUP-related conditions. ClinVar contains an entry for this variant (Variation ID: 1330649). An algorithm developed to predict the effect of missense changes on protein structure and function (PolyPhen-2) suggests that this variant is likely to be disruptive. In summary, the available evidence is currently insufficient to determine the role of this variant in disease. Therefore, it has been classified as a Variant of Uncertain Significance.

Ambry Genetics
Classification: Uncertain significance for Cardiovascular phenotype. Last evaluated: 2023-03-22. Review status: criteria provided, single submitter. Criteria: Ambry Variant Classification Scheme 2023. Collection method: clinical testing. Allele origin: germline.
Comment: The p.N371K variant (also known as c.1113C>A), located in coding exon 6 of the JUP gene, results from a C to A substitution at nucleotide position 1113. The asparagine at codon 371 is replaced by lysine, an amino acid with similar properties. This amino acid position is highly conserved in available vertebrate species. In addition, the in silico prediction for this alteration is inconclusive. Since supporting evidence is limited at this time, the clinical significance of this alteration remains unclear.

ARUP Laboratories, Molecular Genetics and Genomics, ARUP Laboratories
Classification: Uncertain significance. Last evaluated: 2020-11-18. Review status: criteria provided, single submitter. Criteria: ARUP Molecular Germline Variant Investigation Process 2021. Collection method: clinical testing. Allele origin: germline.
Comment: The JUP c.1113C>A; p.Asn371Lys variant (rs782009178), to our knowledge, is not reported in the medical literature or gene-specific databases. This variant is found on a single chromosome in the Genome Aggregation Database (1/251280 alleles), indicating it is not a common polymorphism. The asparagine at codon 371 is highly conserved, but computational analyses are uncertain whether this variant is neutral or deleterious (REVEL: 0.679). Given the lack of clinical and functional data, the significance of the p.Asn371Lys variant is uncertain at this time.

NM_002230.4(JUP):c.1113C>A (p.Asn371Lys)

Gene: JUP (junction plakoglobin; minus strand). Cytogenetic location: 17q21.2.
Variant type: single nucleotide variant.
Coding change: c.1113C>A on transcript NM_002230.4 (MANE Select); coding-DNA position 1113, C replaced by A.
Protein change: p.Asn371Lys; replaces asparagine 371 with lysine.
Molecular consequence: missense variant.
Genome position (GRCh38, 1-based): chr17:41,764,758, G>T on the plus strand (C>A on the coding strand, the complement: JUP is on the minus strand). VCF-style: chr17-41764758-G-T. GRCh37 (hg19) VCF-style: chr17-39921010-G-T.
Other names: c.1113C>A, p.Asn371Lys (NM_001352773.2, NM_001352774.2, NM_001352775.2 and 3 more transcripts); c.1113C>A (NM_002230.2); short protein forms N371K.
Identifiers: ClinVar variation 1330649 (VCV001330649.11), dbSNP rs782009178, ClinGen allele CA8565281.